The following is an entry in ClinVar:

ClinVar aggregate classification (germline): Conflicting classifications of pathogenicity. Review status: criteria provided, conflicting classifications (1 of 4 stars). 3 submissions from 3 submitters: Likely pathogenic (1); Uncertain significance (2). Last evaluated 2026-04-14.

Allele frequency attached by ClinVar (database versions not stated): TOPMed below 0.00001; gnomAD 0.00001; gnomAD exomes 0.00001; ExAC 0.00002; ESP Exome Variant Server 0.00008.
gnomAD v4.1: 7 of 1,613,964 alleles (0.00043%); highest among the groups gnomAD compares: South Asian, 0.0011%; no homozygotes.

Submissions (3):

GeneDx
Classification: Uncertain significance. Last evaluated: 2026-04-14. Review status: criteria provided, single submitter. Criteria: GeneDx Variant Classification Process June 2021. Collection method: clinical testing. Allele origin: germline.
Comment: Reported in a family in the published literature; however, the presumably homozygous family member with methemologinemia was not available for testing (PMID: 11159544); In silico analysis supports that this missense variant has a deleterious effect on protein structure/function; This variant is associated with the following publications: (PMID: 34426522, 31898843, 37901856, 29273096, 11159544)

Labcorp Genetics (formerly Invitae), Labcorp
Classification: Uncertain significance. Last evaluated: 2024-10-07. Review status: criteria provided, single submitter. Criteria: Invitae Variant Classification Sherloc (09022015). Collection method: clinical testing. Allele origin: germline.
Comment: This sequence change replaces proline, which is neutral and non-polar, with leucine, which is neutral and non-polar, at codon 145 of the CYB5R3 protein (p.Pro145Leu). This variant is present in population databases (rs374075200, gnomAD 0.003%). This missense change has been observed in individual(s) with clinical features of methemoglobinemia (PMID: 11159544). ClinVar contains an entry for this variant (Variation ID: 2138453). Invitae Evidence Modeling of protein sequence and biophysical properties (such as structural, functional, and spatial information, amino acid conservation, physicochemical variation, residue mobility, and thermodynamic stability) indicates that this missense variant is expected to disrupt CYB5R3 protein function with a positive predictive value of 95%. In summary, the available evidence is currently insufficient to determine the role of this variant in disease. Therefore, it has been classified as a Variant of Uncertain Significance.

CeGaT Center for Human Genetics Tuebingen
Classification: Likely pathogenic. Last evaluated: 2023-05-01. Review status: criteria provided, single submitter. Criteria: CeGaT Center For Human Genetics Tuebingen Variant Classification Criteria Version 2. Collection method: clinical testing. Allele origin: germline. Affected: yes. Observed: 1 variant allele.
Comment: CYB5R3: PP1:Strong, PM2, PM5

Literature cited by the submitters: PubMed 11159544 (cited by Labcorp Genetics (formerly Invitae), Labcorp).

NM_000398.7(CYB5R3):c.434C>T (p.Pro145Leu)

Gene: CYB5R3 (cytochrome b5 reductase 3; minus strand). Cytogenetic location: 22q13.2.
Variant type: single nucleotide variant.
Coding change: c.434C>T on transcript NM_000398.7 (MANE Select); coding-DNA position 434, C replaced by T.
Protein change: p.Pro145Leu; replaces proline 145 with leucine.
Molecular consequence: missense variant.
Genome position (GRCh38, 1-based): chr22:42,628,181, G>A on the plus strand (C>T on the coding strand, the complement: CYB5R3 is on the minus strand). VCF-style: chr22-42628181-G-A. GRCh37 (hg19) VCF-style: chr22-43024187-G-A.
Other names: c.434C>T (NM_000398.6); c.434C>T, p.Pro145Leu (NM_001031678.1); c.365C>T, p.Pro122Leu (NM_001129819.2, NM_001171661.1, NM_007326.4); c.533C>T, p.Pro178Leu (NM_001171660.2); short protein forms P178L, P122L, P145L.
Identifiers: ClinVar variation 2138453 (VCV002138453.32), dbSNP rs374075200, ClinGen allele CA10269762.